The following is an entry in ClinVar:

ClinVar aggregate classification (germline): Pathogenic. Review status: criteria provided, multiple submitters, no conflicts (2 of 4 stars). 3 submissions from 3 submitters: Pathogenic (3). Last evaluated 2024-05-18.

Conditions:
Hereditary nonpolyposis colorectal neoplasms. Identifiers: MedGen C0009405, MeSH D003123.
Lynch syndrome 5 (LYNCH5). Also called: Colorectal cancer, hereditary nonpolyposis, type 5; Hereditary non-polyposis colorectal cancer, type 5. Identifiers: Orphanet 144, MedGen C1833477, MONDO:0013710, OMIM 614350. Disease mechanism: loss of function.
Hereditary cancer-predisposing syndrome. Also called: Hereditary Cancer Syndrome; Tumor predisposition; Hereditary neoplastic syndrome; Neoplastic Syndromes, Hereditary. Identifiers: Orphanet 140162, MedGen C0027672, MeSH D009386, MONDO:0015356.

Submissions (3):

Ambry Genetics
Classification: Pathogenic for Hereditary cancer-predisposing syndrome. Last evaluated: 2024-05-18. Review status: criteria provided, single submitter. Criteria: Ambry Variant Classification Scheme 2023. Collection method: clinical testing. Allele origin: germline.
Comment: The c.2392dupC pathogenic mutation, located in coding exon 4 of the MSH6 gene, results from a duplication of C at nucleotide position 2392, causing a translational frameshift with a predicted alternate stop codon (p.L798Pfs*6). This variant is considered to be rare based on population cohorts in the Genome Aggregation Database (gnomAD). This alteration is expected to result in loss of function by premature protein truncation or nonsense-mediated mRNA decay. As such, this alteration is interpreted as a disease-causing mutation.

Labcorp Genetics (formerly Invitae), Labcorp
Classification: Pathogenic for Hereditary nonpolyposis colorectal neoplasms. Last evaluated: 2024-05-12. Review status: criteria provided, single submitter. Criteria: Invitae Variant Classification Sherloc (09022015). Collection method: clinical testing. Allele origin: germline.
Comment: This sequence change creates a premature translational stop signal (p.Leu798Profs*6) in the MSH6 gene. It is expected to result in an absent or disrupted protein product. Loss-of-function variants in MSH6 are known to be pathogenic (PMID: 18269114, 24362816). This variant is not present in population databases (gnomAD no frequency). This variant has not been reported in the literature in individuals affected with MSH6-related conditions. For these reasons, this variant has been classified as Pathogenic.

Myriad Genetics, Inc.
Classification: Pathogenic for Lynch syndrome 5. Last evaluated: 2024-05-07. Review status: criteria provided, single submitter. Criteria: Myriad Autosomal Dominant, Autosomal Recessive and X-Linked Classification Criteria (2023). Collection method: clinical testing. Allele origin: unknown.
Comment: This variant is considered pathogenic. This variant creates a frameshift predicted to result in premature protein truncation.

Literature cited by the submitters: PubMed 18269114 (cited by Labcorp Genetics (formerly Invitae), Labcorp); PubMed 24362816 (cited by Labcorp Genetics (formerly Invitae), Labcorp).

NM_000179.3(MSH6):c.2392dup (p.Leu798fs)

Gene: MSH6 (mutS homolog 6; plus strand). Cytogenetic location: 2p16.3.
Variant type: Duplication.
Coding change: c.2392dup on transcript NM_000179.3 (MANE Select); coding-DNA position 2392, one base duplicated (C; older notation c.2392dupC).
Protein change: p.Leu798fs; shifts the reading frame from leucine 798.
Molecular consequence: frameshift variant. On other transcripts: non-coding transcript variant (5), intron variant (3).
Genome position (GRCh38, 1-based): chr2:47,800,375, C duplicated; the last of 2 consecutive C bases (chr2:47,800,374-47,800,375); duplicating either gives the same sequence. VCF-style (leftmost placement, unchanged base first): chr2-47800373-A-AC. GRCh37 (hg19) VCF-style: chr2-48027512-A-AC.
Other names: c.2002dup, p.Leu668fs (NM_001281492.2); c.1486dup, p.Leu496fs (NM_001281493.2, NM_001281494.2, NM_001406811.1 and 6 more transcripts); c.2488dup, p.Leu830fs (NM_001406795.1, NM_001406802.1); c.2392dup, p.Leu798fs (NM_001406796.1, NM_001406798.1, NM_001406800.1 and 2 more transcripts); c.2095dup, p.Leu699fs (NM_001406797.1, NM_001406801.1, NM_001406805.1 and 10 more transcripts); c.1867dup, p.Leu623fs (NM_001406799.1, NM_001406806.1, NM_001406807.1); c.2314dup, p.Leu772fs (NM_001406804.1); c.2398dup, p.Leu800fs (NM_001406813.1); and 5 more; short protein forms L496fs, L623fs, L668fs, L699fs, L742fs, L772fs, L798fs, L800fs.
Identifiers: ClinVar variation 3254383 (VCV003254383.4), dbSNP rs2530669232.